The following is an entry in ClinVar:

ClinVar aggregate classification (germline): Uncertain significance (1 of 4 stars; one submission).

Allele frequency attached by ClinVar (database versions not stated): gnomAD exomes 0.00001; ExAC 0.00002.

Submission:

Labcorp Genetics (formerly Invitae), Labcorp
Classification: Uncertain significance. Last evaluated: 2022-06-08. Review status: criteria provided, single submitter. Criteria: Invitae Variant Classification Sherloc (09022015). Collection method: clinical testing. Allele origin: germline.
Comment: This sequence change replaces lysine, which is basic and polar, with glutamic acid, which is acidic and polar, at codon 228 of the ACAD9 protein (p.Lys228Glu). This variant is present in population databases (rs766399406, gnomAD 0.003%). This variant has not been reported in the literature in individuals affected with ACAD9-related conditions. Algorithms developed to predict the effect of missense changes on protein structure and function are either unavailable or do not agree on the potential impact of this missense change (SIFT: "Deleterious"; PolyPhen-2: "Possibly Damaging"; Align-GVGD: "Class C0"). Algorithms developed to predict the effect of sequence changes on RNA splicing suggest that this variant may create or strengthen a splice site. In summary, the available evidence is currently insufficient to determine the role of this variant in disease. Therefore, it has been classified as a Variant of Uncertain Significance.

NM_014049.5(ACAD9):c.682A>G (p.Lys228Glu)

Gene: ACAD9 (acyl-CoA dehydrogenase family member 9; plus strand). Cytogenetic location: 3q21.3.
Variant type: single nucleotide variant.
Coding change: c.682A>G on transcript NM_014049.5 (MANE Select); coding-DNA position 682, A replaced by G.
Protein change: p.Lys228Glu; replaces lysine 228 with glutamic acid.
Molecular consequence: missense variant. On other transcripts: non-coding transcript variant (1).
Genome position (GRCh38, 1-based): chr3:128,899,335, A>G. VCF-style: chr3-128899335-A-G. GRCh37 (hg19) VCF-style: chr3-128618178-A-G.
Other names: c.313A>G, p.Lys105Glu (NM_001410805.1); short protein forms K105E, K228E.
Identifiers: ClinVar variation 2046079 (VCV002046079.1), dbSNP rs766399406, ClinGen allele CA2601247.
Genomic context (GRCh38, chr3:128,899,335, plus strand): 5'-TTCTGTCCTCAGGTCTGGATTACTAATGGAGGACTGGCCAATATTTTTACTGTGTTTGCA[A>G]AGACTGAGGTCGTTGATTCTGATGGATCAGTGAAAGACAAAATCACAGCATTCATAGTAG-3'
Protein context (NP_054768.2, residues 218-238): GLANIFTVFA[Lys228Glu]TEVVDSDGSV